The following is an entry in ClinVar:

NM_020693.4(DSCAML1):c.947A>G (p.His316Arg)

Gene: DSCAML1 (DS cell adhesion molecule like 1; minus strand). Cytogenetic location: 11q23.3.
Variant type: single nucleotide variant.
Coding change: c.947A>G on transcript NM_020693.4 (MANE Select); coding-DNA position 947, A replaced by G.
Protein change: p.His316Arg; replaces histidine 316 with arginine.
Molecular consequence: missense variant.
Genome position (GRCh38, 1-based): chr11:117,521,396, T>C on the plus strand (A>G on the coding strand, the complement: DSCAML1 is on the minus strand). VCF-style: chr11-117521396-T-C. GRCh37 (hg19) VCF-style: chr11-117392111-T-C.
Other names: c.947A>G, p.His316Arg (NM_001367904.1); c.539A>G, p.His180Arg (NM_001367905.1); short protein forms H180R, H316R.
Identifiers: ClinVar variation 1994690 (VCV001994690.4), dbSNP rs142156730, ClinGen allele CA6297400.

ClinVar aggregate classification (germline): Uncertain significance (1 of 4 stars; one submission).

Allele frequency attached by ClinVar (database versions not stated): gnomAD exomes below 0.00001; ExAC 0.00001; gnomAD 0.00001; TOPMed 0.00001; ESP Exome Variant Server 0.00008.
gnomAD v4.1: 4 of 1,612,462 alleles (0.00025%); highest among the groups gnomAD compares: Non-Finnish European, 0.00025%; no homozygotes.

Submission:

Labcorp Genetics (formerly Invitae), Labcorp
Classification: Uncertain significance. Last evaluated: 2022-10-25. Review status: criteria provided, single submitter. Criteria: Invitae Variant Classification Sherloc (09022015). Collection method: clinical testing. Allele origin: germline.
Comment: In summary, the available evidence is currently insufficient to determine the role of this variant in disease. Therefore, it has been classified as a Variant of Uncertain Significance. Algorithms developed to predict the effect of missense changes on protein structure and function (SIFT, PolyPhen-2, Align-GVGD) all suggest that this variant is likely to be tolerated. This sequence change replaces histidine, which is basic and polar, with arginine, which is basic and polar, at codon 376 of the DSCAML1 protein (p.His376Arg). This variant is present in population databases (rs142156730, gnomAD 0.0009%). This variant has not been reported in the literature in individuals affected with DSCAML1-related conditions.